The following is an entry in ClinVar:

NM_000179.3(MSH6):c.1477G>C (p.Glu493Gln)

Gene: MSH6 (mutS homolog 6; plus strand). Cytogenetic location: 2p16.3.
Variant type: single nucleotide variant.
Coding change: c.1477G>C on transcript NM_000179.3 (MANE Select); coding-DNA position 1477, G replaced by C.
Protein change: p.Glu493Gln; replaces glutamic acid 493 with glutamine.
Molecular consequence: missense variant. On other transcripts: non-coding transcript variant (4), intron variant (1).
Genome position (GRCh38, 1-based): chr2:47,799,460, G>C. VCF-style: chr2-47799460-G-C. GRCh37 (hg19) VCF-style: chr2-48026599-G-C.
Other names: c.1087G>C, p.Glu363Gln (NM_001281492.2); c.571G>C, p.Glu191Gln (NM_001281493.2, NM_001281494.2, NM_001406811.1 and 6 more transcripts); c.1573G>C, p.Glu525Gln (NM_001406795.1, NM_001406802.1); c.1477G>C, p.Glu493Gln (NM_001406796.1, NM_001406798.1, NM_001406800.1 and 4 more transcripts); c.1180G>C, p.Glu394Gln (NM_001406797.1, NM_001406801.1, NM_001406805.1 and 10 more transcripts); c.952G>C, p.Glu318Gln (NM_001406799.1, NM_001406806.1, NM_001406807.1); c.1399G>C, p.Glu467Gln (NM_001406804.1); c.1483G>C, p.Glu495Gln (NM_001406813.1); and 2 more; short protein forms E191Q, E318Q, E363Q, E394Q, E437Q, E467Q, E493Q, E495Q.
Identifiers: ClinVar variation 3893847 (VCV003893847.1).

ClinVar aggregate classification (germline): Uncertain significance (1 of 4 stars; one submission).

Conditions:
Hereditary cancer-predisposing syndrome. Also called: Neoplastic Syndromes, Hereditary; Tumor predisposition; Hereditary Cancer Syndrome; Hereditary neoplastic syndrome. Identifiers: Orphanet 140162, MedGen C0027672, MeSH D009386, MONDO:0015356.

Submission:

Color Diagnostics, LLC DBA Color Health
Classification: Uncertain significance for Hereditary cancer-predisposing syndrome. Last evaluated: 2024-05-04. Review status: criteria provided, single submitter. Criteria: ACMG Guidelines, 2015. Collection method: clinical testing. Allele origin: germline.
Comment: This missense variant replaces glutamic acid with glutamine at codon 493 of the MSH6 protein. Computational prediction is inconclusive regarding the impact of this variant on protein structure and function (internally defined REVEL score threshold 0.5 < inconclusive < 0.7, PMID: 27666373). To our knowledge, functional studies have not been reported for this variant. This variant has not been reported in individuals affected with MSH6-related disorders in the literature. This variant has not been identified in the general population by the Genome Aggregation Database (gnomAD). The available evidence is insufficient to determine the role of this variant in disease conclusively. Therefore, this variant is classified as a Variant of Uncertain Significance.